The following is an entry in ClinVar:

ClinVar aggregate classification (germline): Conflicting classifications of pathogenicity. Review status: criteria provided, conflicting classifications (1 of 4 stars). 5 submissions from 5 submitters: Uncertain significance (1); Likely benign (3). 1 of the submissions does not count toward it. Last evaluated 2026-09-01.

Conditions:
Biotinidase deficiency. Also called: BTD deficiency; Late-onset biotin-responsive multiple carboxylase deficiency; Biotin deficiency. Identifiers: Orphanet 79241, MedGen C0220754, MONDO:0009665, OMIM 253260.

Allele frequency attached by ClinVar (database versions not stated): gnomAD exomes 0.00019; 1000 Genomes Project 0.00120; TOPMed 0.00123; 1000 Genomes Project 30x 0.00125; gnomAD 0.00133.
gnomAD v4.1: 484 of 1,614,026 alleles (0.03%); highest among the groups gnomAD compares: Admixed American, 0.68%; 3 homozygotes.

Submissions (5):

CeGaT Center for Human Genetics Tuebingen
Classification: Likely benign. Last evaluated: 2026-09-01. Review status: criteria provided, single submitter. Criteria: CeGaT Center For Human Genetics Tuebingen Variant Classification Criteria Version 2. Collection method: clinical testing. Allele origin: germline. Affected: yes. Observed: 17 variant alleles.
Comment: BTD: BP4, BP7

Labcorp Genetics (formerly Invitae), Labcorp
Classification: Likely benign for Biotinidase deficiency. Last evaluated: 2026-01-26. Review status: criteria provided, single submitter. Criteria: Invitae Variant Classification Sherloc (09022015). Collection method: clinical testing. Allele origin: germline.

Blueprint Genetics
Classification: Likely benign. Last evaluated: 2024-05-15. Review status: criteria provided, single submitter. Criteria: ACMG Guidelines, 2015. Collection method: clinical testing. Allele origin: germline.

Eurofins Ntd Llc (ga)
Classification: Uncertain significance. Last evaluated: 2015-02-02. Review status: criteria provided, single submitter. Criteria: EGL Classification Definitions 2015. Collection method: clinical testing. Allele origin: germline. Observed: 1 variant allele, 1 heterozygote.

Natera, Inc.
Classification: Likely benign for Biotinidase deficiency. Last evaluated: 2020-09-16. Review status: no assertion criteria provided. Collection method: clinical testing. Allele origin: germline. Not counted in ClinVar's aggregate classification.

NM_001370658.1(BTD):c.339G>A (p.Pro113=)

Gene: BTD (biotinidase; plus strand). Cytogenetic location: 3p25.1.
Variant type: single nucleotide variant.
Coding change: c.339G>A on transcript NM_001370658.1 (MANE Select); coding-DNA position 339, G replaced by A.
Protein change: p.Pro113=; no amino-acid change (proline 113 retained).
Molecular consequence: synonymous variant.
Genome position (GRCh38, 1-based): chr3:15,641,997, G>A. VCF-style: chr3-15641997-G-A. GRCh37 (hg19) VCF-style: chr3-15683504-G-A.
Other names: c.339G>A, p.Pro113= (NM_001407380.1, NM_001407382.1, NM_001407383.1 and 36 more transcripts); c.402G>A, p.Pro134= (NM_001407381.1); c.399G>A, p.Pro133= (NM_000060.4).
Identifiers: ClinVar variation 196203 (VCV000196203.24), dbSNP rs181743799, ClinGen allele CA243087.